The following is an entry in ClinVar:

ClinVar aggregate classification (germline): Uncertain significance. Review status: criteria provided, multiple submitters, no conflicts (2 of 4 stars). 2 submissions from 2 submitters: Uncertain significance (2). Last evaluated 2024-05-08.

gnomAD v4.1: 60 of 1,613,834 alleles (0.0037%); highest among the groups gnomAD compares: South Asian, 0.04%; 1 homozygote.

Submissions (2):

GeneDx
Classification: Uncertain significance. Last evaluated: 2024-05-08. Review status: criteria provided, single submitter. Criteria: GeneDx Variant Classification Process June 2021. Collection method: clinical testing. Allele origin: germline. Affected: yes.
Comment: In silico analysis indicates that this missense variant does not alter protein structure/function; Has not been previously published as pathogenic or benign to our knowledge; Variants in candidate genes are classified as variants of uncertain significance in accordance with ACMG guidelines (PMID: 25741868)

Ambry Genetics
Classification: Uncertain significance. Last evaluated: 2024-04-19. Review status: criteria provided, single submitter. Criteria: Ambry Variant Classification Scheme 2023. Collection method: clinical testing. Allele origin: germline.

NM_000718.4(CACNA1B):c.832G>A (p.Glu278Lys)

Gene: CACNA1B (calcium voltage-gated channel subunit alpha1 B; plus strand). Cytogenetic location: 9q34.3.
Variant type: single nucleotide variant.
Coding change: c.832G>A on transcript NM_000718.4 (MANE Select); coding-DNA position 832, G replaced by A.
Protein change: p.Glu278Lys; replaces glutamic acid 278 with lysine.
Molecular consequence: missense variant.
Genome position (GRCh38, 1-based): chr9:137,917,297, G>A. VCF-style: chr9-137917297-G-A. GRCh37 (hg19) VCF-style: chr9-140811749-G-A.
Other names: c.832G>A, p.Glu278Lys (NM_001243812.2); short protein forms E278K.
Identifiers: ClinVar variation 3262696 (VCV003262696.2).